The following is an entry in ClinVar:

ClinVar aggregate classification (germline): Uncertain significance. Review status: criteria provided, multiple submitters, no conflicts (2 of 4 stars). 2 submissions from 2 submitters: Uncertain significance (2). Last evaluated 2022-07-05.

Conditions:
Inborn genetic diseases. Identifiers: MedGen C0950123, MeSH D030342.

Submissions (2):

Labcorp Genetics (formerly Invitae), Labcorp
Classification: Uncertain significance. Last evaluated: 2022-07-05. Review status: criteria provided, single submitter. Criteria: Invitae Variant Classification Sherloc (09022015). Collection method: clinical testing. Allele origin: germline.
Comment: In summary, the available evidence is currently insufficient to determine the role of this variant in disease. Therefore, it has been classified as a Variant of Uncertain Significance. ClinVar contains an entry for this variant (Variation ID: 1355926). This variant has not been reported in the literature in individuals affected with GSN-related conditions. This variant is not present in population databases (gnomAD no frequency). This sequence change creates a premature translational stop signal (p.Glu58Serfs*41) in the GSN gene. It is expected to result in an absent or disrupted protein product. However, the current clinical and genetic evidence is not sufficient to establish whether loss-of-function variants in GSN cause disease.

Ambry Genetics
Classification: Uncertain significance for Inborn genetic diseases. Last evaluated: 2020-02-14. Review status: criteria provided, single submitter. Criteria: Ambry Variant Classification Scheme 2023. Collection method: clinical testing. Allele origin: germline.
Comment: The c.171delC variant, located in coding exon 2 of the GSN gene, results from a deletion of one nucleotide at nucleotide position 171, causing a translational frameshift with a predicted alternate stop codon (p.E58Sfs*41). This alteration is expected to result in loss of function by premature protein truncation or nonsense-mediated mRNA decay. However, loss of function of GSN has not been clearly established as a mechanism of disease. Since supporting evidence is limited at this time, the clinical significance of this alteration remains unclear.

NM_198252.3(GSN):c.18del (p.Glu7fs)

Gene: GSN (gelsolin; plus strand). Cytogenetic location: 9q33.2.
Variant type: Deletion.
Coding change: c.18del on transcript NM_198252.3 (MANE Select); coding-DNA position 18, one base deleted (C; older notation c.18delC).
Protein change: p.Glu7fs; shifts the reading frame from glutamic acid 7.
Molecular consequence: frameshift variant. On other transcripts: intron variant (1).
Genome position (GRCh38, 1-based): chr9:121,301,989, C deleted; the last of 4 consecutive C bases (chr9:121,301,986-121,301,989); deleting any one gives the same sequence. VCF-style (leftmost placement, unchanged base first): chr9-121301985-AC-A. GRCh37 (hg19) VCF-style: chr9-124064263-AC-A.
Other names: c.171del, p.Glu58fs (NM_000177.5); c.18del, p.Glu7fs (NM_001127662.2, NM_001127664.2, NM_001127665.2 and 10 more transcripts); c.126del, p.Glu43fs (NM_001127663.2); c.51del, p.Glu18fs (NM_001127666.2, NM_001127667.2, NM_001353063.2 and 13 more transcripts); c.69del, p.Glu24fs (NM_001258029.2); c.42del, p.Glu15fs (NM_001258030.2); c.90del, p.Glu31fs (NM_001353076.2); c.-458-922del (NM_001353078.2); short protein forms E15fs, E7fs, E24fs, E18fs, E31fs, E43fs, E58fs.
Identifiers: ClinVar variation 1355926 (VCV001355926.8), dbSNP rs2059921921, ClinGen allele CA1128804970.
Genomic context (GRCh38, chr9:121,301,985, plus strand): 5'-ACCCTGCCCCGCTTAGGCTCTGCCCTGTCTCATCCCAGCCCAACAGCATGGTGGTGGAAC[AC>A]CCCGAGTTCCTCAAGGCAGGGAAGGAGCCTGGCCTGCAGATCTGGCGTGTGGAGAAGTTC-3'